The following is an entry in ClinVar:

ClinVar aggregate classification (germline): Uncertain significance (1 of 4 stars; one submission).

gnomAD v4.1: 4 of 1,534,764 alleles (0.00026%); highest among the groups gnomAD compares: Middle Eastern, 0.019%; no homozygotes.

Submission:

Labcorp Genetics (formerly Invitae), Labcorp
Classification: Uncertain significance. Last evaluated: 2022-05-12. Review status: criteria provided, single submitter. Criteria: Invitae Variant Classification Sherloc (09022015). Collection method: clinical testing. Allele origin: germline.
Comment: In summary, the available evidence is currently insufficient to determine the role of this variant in disease. Therefore, it has been classified as a Variant of Uncertain Significance. Algorithms developed to predict the effect of missense changes on protein structure and function output the following: SIFT: "Tolerated"; PolyPhen-2: "Not Available"; Align-GVGD: "Class C0". The leucine amino acid residue is found in multiple mammalian species, which suggests that this missense change does not adversely affect protein function. This variant has not been reported in the literature in individuals affected with PDZD7-related conditions. This variant is not present in population databases (gnomAD no frequency). This sequence change replaces proline, which is neutral and non-polar, with leucine, which is neutral and non-polar, at codon 683 of the PDZD7 protein (p.Pro683Leu).

NM_001195263.2(PDZD7):c.2048C>T (p.Pro683Leu)

Gene: PDZD7 (PDZ domain containing 7; minus strand). Cytogenetic location: 10q24.31.
Variant type: single nucleotide variant.
Coding change: c.2048C>T on transcript NM_001195263.2 (MANE Select); coding-DNA position 2048, C replaced by T.
Protein change: p.Pro683Leu; replaces proline 683 with leucine.
Molecular consequence: missense variant.
Genome position (GRCh38, 1-based): chr10:101,010,841, G>A on the plus strand (C>T on the coding strand, the complement: PDZD7 is on the minus strand). VCF-style: chr10-101010841-G-A. GRCh37 (hg19) VCF-style: chr10-102770598-G-A.
Other names: short protein forms P683L.
Identifiers: ClinVar variation 1952937 (VCV001952937.5), dbSNP rs976461838, ClinGen allele CA212978961.